The following is an entry in ClinVar:

ClinVar aggregate classification (germline): Likely benign (0 of 4 stars; one submission).

Conditions:
ETFA-related disorder. Also called: ETFA-related condition.

Allele frequency attached by ClinVar (database versions not stated): gnomAD 0.00005; gnomAD exomes 0.00006; TOPMed 0.00012; ExAC 0.00013.
gnomAD v4.1: 85 of 1,558,938 alleles (0.0055%); highest among the groups gnomAD compares: African/African-American, 0.0068%; no homozygotes.

Submission:

PreventionGenetics, part of Exact Sciences
Classification: Likely benign for ETFA-related condition. Last evaluated: 2023-08-01. Review status: no assertion criteria provided. Collection method: clinical testing. Allele origin: germline.
Comment: This variant is classified as likely benign based on ACMG/AMP sequence variant interpretation guidelines (Richards et al. 2015 PMID: 25741868, with internal and published modifications).

NM_000126.4(ETFA):c.-8C>T

Gene: ETFA (electron transfer flavoprotein subunit alpha; minus strand). Cytogenetic location: 15q24.3.
Variant type: single nucleotide variant.
Coding change: c.-8C>T on transcript NM_000126.4 (MANE Select); 8 bases upstream of the start codon, C replaced by T.
Molecular consequence: 5 prime UTR variant.
Genome position (GRCh38, 1-based): chr15:76,311,396, G>A on the plus strand (C>T on the coding strand, the complement: ETFA is on the minus strand). VCF-style: chr15-76311396-G-A. GRCh37 (hg19) VCF-style: chr15-76603737-G-A.
Other names: c.-8C>T (NM_001127716.2).
Identifiers: ClinVar variation 3032689 (VCV003032689.2), dbSNP rs753647899, ClinGen allele CA7673902.